The following is an entry in ClinVar:

NM_015570.4(AUTS2):c.2789G>A (p.Gly930Asp)

Gene: AUTS2 (activator of transcription and developmental regulator AUTS2; plus strand). Cytogenetic location: 7q11.22.
Variant type: single nucleotide variant.
Coding change: c.2789G>A on transcript NM_015570.4 (MANE Select); coding-DNA position 2789, G replaced by A.
Protein change: p.Gly930Asp; replaces glycine 930 with aspartic acid.
Molecular consequence: missense variant.
Genome position (GRCh38, 1-based): chr7:70,790,005, G>A. VCF-style: chr7-70790005-G-A. GRCh37 (hg19) VCF-style: chr7-70254991-G-A.
Other names: c.2789G>A (NM_015570.2); c.2717G>A, p.Gly906Asp (NM_001127231.3); short protein forms G906D, G930D.
Identifiers: ClinVar variation 2918685 (VCV002918685.4), dbSNP rs769836595, ClinGen allele CA4281184.

ClinVar aggregate classification (germline): Uncertain significance. Review status: criteria provided, multiple submitters, no conflicts (2 of 4 stars). 2 submissions from 2 submitters: Uncertain significance (2). Last evaluated 2025-08-10.

Conditions:
Inborn genetic diseases. Identifiers: MedGen C0950123, MeSH D030342.

Allele frequency attached by ClinVar (database versions not stated): gnomAD exomes below 0.00001; ExAC 0.00002.
gnomAD v4.1: 3 of 1,598,222 alleles (0.00019%); highest among the groups gnomAD compares: Non-Finnish European, 0.00026%; no homozygotes.

Submissions (2):

Ambry Genetics
Classification: Uncertain significance for Inborn genetic diseases. Last evaluated: 2025-08-10. Review status: criteria provided, single submitter. Criteria: Ambry Variant Classification Scheme 2023. Collection method: clinical testing. Allele origin: germline.

Labcorp Genetics (formerly Invitae), Labcorp
Classification: Uncertain significance. Last evaluated: 2022-12-15. Review status: criteria provided, single submitter. Criteria: Invitae Variant Classification Sherloc (09022015). Collection method: clinical testing. Allele origin: germline.
Comment: In summary, the available evidence is currently insufficient to determine the role of this variant in disease. Therefore, it has been classified as a Variant of Uncertain Significance. Advanced modeling of protein sequence and biophysical properties (such as structural, functional, and spatial information, amino acid conservation, physicochemical variation, residue mobility, and thermodynamic stability) performed at Invitae indicates that this missense variant is not expected to disrupt AUTS2 protein function. This sequence change replaces glycine, which is neutral and non-polar, with aspartic acid, which is acidic and polar, at codon 930 of the AUTS2 protein (p.Gly930Asp). The frequency data for this variant in the population databases is considered unreliable, as metrics indicate poor data quality at this position in the gnomAD database. This variant has not been reported in the literature in individuals affected with AUTS2-related conditions.